The following is an entry in ClinVar:

NM_001378969.1(KCND3):c.983T>G (p.Leu328Arg)

Gene: KCND3 (potassium voltage-gated channel subfamily D member 3; minus strand). Cytogenetic location: 1p13.2.
Variant type: single nucleotide variant.
Coding change: c.983T>G on transcript NM_001378969.1 (MANE Select); coding-DNA position 983, T replaced by G.
Protein change: p.Leu328Arg; replaces leucine 328 with arginine.
Molecular consequence: missense variant.
Genome position (GRCh38, 1-based): chr1:111,981,744, A>C on the plus strand (T>G on the coding strand, the complement: KCND3 is on the minus strand). VCF-style: chr1-111981744-A-C. GRCh37 (hg19) VCF-style: chr1-112524366-A-C.
Other names: c.983T>G, p.Leu328Arg (NM_001378970.1, NM_004980.5, NM_172198.3); short protein forms L328R.
Identifiers: ClinVar variation 1315586 (VCV001315586.5), dbSNP rs2101995228, ClinGen allele CA341820927.

ClinVar aggregate classification (germline): Conflicting classifications of pathogenicity. Review status: criteria provided, conflicting classifications (1 of 4 stars). 2 submissions from 2 submitters: Likely pathogenic (1); Uncertain significance (1). Last evaluated 2022-06-24.

Conditions:
Spinocerebellar ataxia type 19/22 (SCA19). Also called: SPINOCEREBELLAR ATAXIA 22; SPINOCEREBELLAR ATAXIA 19. Identifiers: Orphanet 98772, MedGen C1846367, MONDO:0011819, OMIM 607346.

Submissions (2):

Victorian Clinical Genetics Services, Murdoch Childrens Research Institute
Classification: Likely pathogenic for Spinocerebellar ataxia type 19/22. Last evaluated: 2022-06-24. Review status: criteria provided, single submitter. Criteria: ACMG Guidelines, 2015. Collection method: clinical testing. Allele origin: germline. Inheritance: Autosomal dominant inheritance. Affected: yes.
Comment: Based on the classification scheme VCGS_Germline_v1.3.4, this variant is classified as likely pathogenic. Following criteria are met: 0103 - Loss of function and gain of function are known mechanisms of disease in this gene and are associated with spinocerebellar ataxia 19 (MIM#607346). Missense variants have been reported to cause both a loss of function and gain of function effect (PMID: 23280838, PMID: 34361012), however dominant negative is also a suggested mechanism. (I) 0107 - This gene is associated with autosomal dominant disease. (I) 0200 - Variant is predicted to result in a missense amino acid change from leucine to arginine. (I) 0251 - This variant is heterozygous. (I) 0301 - Variant is absent from gnomAD (both v2 and v3). (SP) 0501 - Missense variant consistently predicted to be damaging by multiple in silico tools or highly conserved with a major amino acid change. (SP) 0603 - Missense variant in a region that is highly intolerant to missense variation (high constraint region in DECIPHER). (SP) 0705 - No comparable missense variants have previous evidence for pathogenicity. (I) 0809 - Previous evidence of pathogenicity for this variant is inconclusive. This variant has been previously reported as a VUS, and identified as de novo in an unrelated individual with intellectual disability, autism and hypotonia (ClinVar, personal communication). (I) 0905 - No published segregation evidence has been identified for this variant. (I) 1007 - No published functional evidence has been identified for this variant. (SP) Legend: (SP) - Supporting pathogenic, (I) - Information, (SB) - Supporting benign

GeneDx
Classification: Uncertain significance. Last evaluated: 2019-04-12. Review status: criteria provided, single submitter. Criteria: GeneDx Variant Classification Process June 2021. Collection method: clinical testing. Allele origin: germline. Affected: yes.
Comment: Not observed in large population cohorts (Lek et al., 2016); In silico analysis, which includes protein predictors and evolutionary conservation, supports a deleterious effect; Has not been previously published as pathogenic or benign to our knowledge

Literature cited by the submitters: PubMed 23280838 (cited by Victorian Clinical Genetics Services, Murdoch Childrens Research Institute); PubMed 34361012 (cited by Victorian Clinical Genetics Services, Murdoch Childrens Research Institute).